The following is an entry in ClinVar:

NM_031935.3(HMCN1):c.14335C>T (p.Arg4779Trp)

Gene: HMCN1 (hemicentin 1; plus strand). Cytogenetic location: 1q31.1.
Variant type: single nucleotide variant.
Coding change: c.14335C>T on transcript NM_031935.3 (MANE Select); coding-DNA position 14335, C replaced by T.
Protein change: p.Arg4779Trp; replaces arginine 4779 with tryptophan.
Molecular consequence: missense variant.
Genome position (GRCh38, 1-based): chr1:186,145,471, C>T. VCF-style: chr1-186145471-C-T. GRCh37 (hg19) VCF-style: chr1-186114603-C-T.
Other names: short protein forms R4779W.
Identifiers: ClinVar variation 1409902 (VCV001409902.5), dbSNP rs144825762, ClinGen allele CA1294925.

ClinVar aggregate classification (germline): Uncertain significance (1 of 4 stars; one submission).

Allele frequency attached by ClinVar (database versions not stated): gnomAD 0.00004; TOPMed 0.00004; gnomAD exomes 0.00006 and 0.00008; ESP Exome Variant Server 0.00008; ExAC 0.00009; 1000 Genomes Project 30x 0.00031; 1000 Genomes Project 0.00040.
gnomAD v4.1: 99 of 1,611,156 alleles (0.0061%); highest among the groups gnomAD compares: Middle Eastern, 0.033%; 1 homozygote.

Submission:

Labcorp Genetics (formerly Invitae), Labcorp
Classification: Uncertain significance. Last evaluated: 2025-12-15. Review status: criteria provided, single submitter. Criteria: Invitae Variant Classification Sherloc (09022015). Collection method: clinical testing. Allele origin: germline.
Comment: This sequence change replaces arginine, which is basic and polar, with tryptophan, which is neutral and slightly polar, at codon 4779 of the HMCN1 protein (p.Arg4779Trp). This variant is present in population databases (rs144825762, gnomAD 0.02%). This variant has not been reported in the literature in individuals affected with HMCN1-related conditions. ClinVar contains an entry for this variant (Variation ID: 1409902). An algorithm developed to predict the effect of missense changes on protein structure and function (PolyPhen-2) suggests that this variant is likely to be disruptive. In summary, the available evidence is currently insufficient to determine the role of this variant in disease. Therefore, it has been classified as a Variant of Uncertain Significance.